The following is an entry in ClinVar:

NM_001134407.3(GRIN2A):c.80C>T (p.Ala27Val)

Gene: GRIN2A (glutamate ionotropic receptor NMDA type subunit 2A; minus strand). Cytogenetic location: 16p13.2.
Variant type: single nucleotide variant.
Coding change: c.80C>T on transcript NM_001134407.3 (MANE Select); coding-DNA position 80, C replaced by T.
Protein change: p.Ala27Val; replaces alanine 27 with valine.
Molecular consequence: missense variant.
Genome position (GRCh38, 1-based): chr16:10,180,332, G>A on the plus strand (C>T on the coding strand, the complement: GRIN2A is on the minus strand). VCF-style: chr16-10180332-G-A. GRCh37 (hg19) VCF-style: chr16-10274189-G-A.
Other names: c.80C>T, p.Ala27Val (NM_000833.5, NM_001134408.2); short protein forms A27V.
Identifiers: ClinVar variation 98458 (VCV000098458.4), dbSNP rs367543129, ClinGen allele CA225867.

ClinVar aggregate classification (germline): Uncertain significance. Review status: criteria provided, multiple submitters, no conflicts (2 of 4 stars). 3 submissions from 3 submitters: Uncertain significance (2). 1 of the submissions does not count toward it. Last evaluated 2025-05-04.

Conditions:
Landau-Kleffner syndrome (FESD). Also called: APHASIA, ACQUIRED, WITH EPILEPSY; EPILEPSY, FOCAL, WITH SPEECH DISORDER AND WITH OR WITHOUT MENTAL RETARDATION. Identifiers: Orphanet 1945, Orphanet 725, Orphanet 98818, MedGen C0282512, MONDO:0009509, OMIM 245570.

Allele frequency attached by ClinVar (database versions not stated): gnomAD exomes below 0.00001 and 0.00001; gnomAD 0.00001.
gnomAD v4.1: 15 of 1,609,192 alleles (0.00093%); highest among the groups gnomAD compares: Admixed American, 0.0017%; no homozygotes.

Submissions (3):

Labcorp Genetics (formerly Invitae), Labcorp
Classification: Uncertain significance for Landau-Kleffner syndrome. Last evaluated: 2025-05-04. Review status: criteria provided, single submitter. Criteria: Invitae Variant Classification Sherloc (09022015). Collection method: clinical testing. Allele origin: germline.
Comment: This sequence change replaces alanine, which is neutral and non-polar, with valine, which is neutral and non-polar, at codon 27 of the GRIN2A protein (p.Ala27Val). This variant is present in population databases (rs367543129, gnomAD 0.0009%). This variant has not been reported in the literature in individuals affected with GRIN2A-related conditions. ClinVar contains an entry for this variant (Variation ID: 98458). Invitae Evidence Modeling of protein sequence and biophysical properties (such as structural, functional, and spatial information, amino acid conservation, physicochemical variation, residue mobility, and thermodynamic stability) indicates that this missense variant is not expected to disrupt GRIN2A protein function with a negative predictive value of 95%. In summary, the available evidence is currently insufficient to determine the role of this variant in disease. Therefore, it has been classified as a Variant of Uncertain Significance.

Women's Health and Genetics/Laboratory Corporation of America, LabCorp
Classification: Uncertain significance. Last evaluated: 2024-02-02. Review status: criteria provided, single submitter. Criteria: LabCorp Variant Classification Summary - May 2015. Collection method: clinical testing. Allele origin: germline.
Comment: Variant summary: GRIN2A c.80C>T (p.Ala27Val) results in a non-conservative amino acid change in the encoded protein sequence. Three of five in-silico tools predict a damaging effect of the variant on protein function. The variant allele was found at a frequency of 4.2e-06 in 240612 control chromosomes. The available data on variant occurrences in the general population are insufficient to allow any conclusion about variant significance. To our knowledge, no occurrence of c.80C>T in individuals affected with Epilepsy, Focal, With Speech Disorder And With Or Without Mental Retardation and no experimental evidence demonstrating its impact on protein function have been reported. ClinVar contains an entry for this variant (Variation ID: 98458). Based on the evidence outlined above, the variant was classified as uncertain significance.

Psychiatry Genetics Yale University
No classification provided. Review status: no classification provided. Collection method: not provided. Allele origin: not provided. Not counted in ClinVar's aggregate classification.